The following is an entry in ClinVar:

NM_000238.4(KCNH2):c.3436A>G (p.Thr1146Ala)

Gene: KCNH2 (potassium voltage-gated channel subfamily H member 2; minus strand). Cytogenetic location: 7q36.1.
Variant type: single nucleotide variant.
Coding change: c.3436A>G on transcript NM_000238.4 (MANE Select); coding-DNA position 3436, A replaced by G.
Protein change: p.Thr1146Ala; replaces threonine 1146 with alanine.
Molecular consequence: missense variant. On other transcripts: non-coding transcript variant (2).
Genome position (GRCh38, 1-based): chr7:150,945,409, T>C on the plus strand (A>G on the coding strand, the complement: KCNH2 is on the minus strand). VCF-style: chr7-150945409-T-C. GRCh37 (hg19) VCF-style: chr7-150642497-T-C.
Other names: c.3148A>G, p.Thr1050Ala (NM_001406753.1); c.2416A>G, p.Thr806Ala (NM_172057.3); short protein forms T1050A, T1146A, T806A.
Identifiers: ClinVar variation 3657358 (VCV003657358.2).

ClinVar aggregate classification (germline): Uncertain significance (1 of 4 stars; one submission).

Conditions:
Long QT syndrome (LQTS). Identifiers: MedGen C0023976, MeSH D008133, MONDO:0002442. Disease mechanism: loss of function. Inheritance: Various modes of inheritance.

Submission:

Labcorp Genetics (formerly Invitae), Labcorp
Classification: Uncertain significance for Long QT syndrome. Last evaluated: 2024-06-22. Review status: criteria provided, single submitter. Criteria: Invitae Variant Classification Sherloc (09022015). Collection method: clinical testing. Allele origin: germline.
Comment: This sequence change replaces threonine, which is neutral and polar, with alanine, which is neutral and non-polar, at codon 1146 of the KCNH2 protein (p.Thr1146Ala). The frequency data for this variant in the population databases is considered unreliable, as metrics indicate poor data quality at this position in the gnomAD database. This variant has not been reported in the literature in individuals affected with KCNH2-related conditions. An algorithm developed to predict the effect of missense changes on protein structure and function (PolyPhen-2) suggests that this variant is likely to be tolerated. In summary, the available evidence is currently insufficient to determine the role of this variant in disease. Therefore, it has been classified as a Variant of Uncertain Significance.